The following is an entry in ClinVar:

ClinVar aggregate classification (germline): Uncertain significance (1 of 4 stars; one submission).

Conditions:
RYR1-related disorder. Also called: RYR1-related condition; RYR1-related disorders. Identifiers: MedGen CN239331.

Allele frequency attached by ClinVar (database versions not stated): ExAC 0.00001; gnomAD exomes 0.00001; TOPMed 0.00001.
gnomAD v4.1: 16 of 1,614,010 alleles (0.00099%); highest among the groups gnomAD compares: South Asian, 0.0044%; no homozygotes.

Submission:

Labcorp Genetics (formerly Invitae), Labcorp
Classification: Uncertain significance for RYR1-related disorder. Last evaluated: 2023-02-22. Review status: criteria provided, single submitter. Criteria: Invitae Variant Classification Sherloc (09022015). Collection method: clinical testing. Allele origin: germline.
Comment: This variant has not been reported in the literature in individuals affected with RYR1-related conditions. In summary, the available evidence is currently insufficient to determine the role of this variant in disease. Therefore, it has been classified as a Variant of Uncertain Significance. Algorithms developed to predict the effect of missense changes on protein structure and function output the following: SIFT: "Not Available"; PolyPhen-2: "Not Available"; Align-GVGD: "Not Available". The lysine amino acid residue is found in multiple mammalian species, which suggests that this missense change does not adversely affect protein function. This variant is present in population databases (rs747061234, gnomAD 0.006%). This sequence change replaces glutamic acid, which is acidic and polar, with lysine, which is basic and polar, at codon 4516 of the RYR1 protein (p.Glu4516Lys).

NM_000540.3(RYR1):c.13546G>A (p.Glu4516Lys)

Gene: RYR1 (ryanodine receptor 1; plus strand). Cytogenetic location: 19q13.2.
Variant type: single nucleotide variant.
Coding change: c.13546G>A on transcript NM_000540.3 (MANE Select); coding-DNA position 13546, G replaced by A.
Protein change: p.Glu4516Lys; replaces glutamic acid 4516 with lysine.
Molecular consequence: missense variant.
Genome position (GRCh38, 1-based): chr19:38,567,804, G>A. VCF-style: chr19-38567804-G-A. GRCh37 (hg19) VCF-style: chr19-39058444-G-A.
Other names: c.13531G>A, p.Glu4511Lys (NM_001042723.2); short protein forms E4511K, E4516K.
Identifiers: ClinVar variation 2715968 (VCV002715968.3), dbSNP rs747061234, ClinGen allele CA080928.